The following is an entry in ClinVar:

ClinVar aggregate classification (germline): Uncertain significance. Review status: criteria provided, multiple submitters, no conflicts (2 of 4 stars). 3 submissions from 3 submitters: Uncertain significance (3). Last evaluated 2023-09-23.

Conditions:
Hereditary cancer-predisposing syndrome. Also called: Neoplastic Syndromes, Hereditary; Tumor predisposition; Hereditary Cancer Syndrome; Hereditary neoplastic syndrome. Identifiers: Orphanet 140162, MedGen C0027672, MeSH D009386, MONDO:0015356.
Classic or attenuated familial adenomatous polyposis. Identifiers: MedGen CN372698, MONDO:0021057.
Familial adenomatous polyposis 1 (FAP1). Also called: FAMILIAL ADENOMATOUS POLYPOSIS 1, ATTENUATED; POLYPOSIS, ADENOMATOUS INTESTINAL. Identifiers: MedGen C2713442, MONDO:0021056, OMIM 175100. Disease mechanism: loss of function.

Allele frequency attached by ClinVar (database versions not stated): gnomAD exomes 0.00001.
gnomAD v4.1: 8 of 1,613,968 alleles (0.0005%); highest among the groups gnomAD compares: Non-Finnish European, 0.00068%; no homozygotes.

Submissions (3):

Labcorp Genetics (formerly Invitae), Labcorp
Classification: Uncertain significance for Familial adenomatous polyposis 1. Last evaluated: 2023-09-23. Review status: criteria provided, single submitter. Criteria: Invitae Variant Classification Sherloc (09022015). Collection method: clinical testing. Allele origin: germline.
Comment: In summary, the available evidence is currently insufficient to determine the role of this variant in disease. Therefore, it has been classified as a Variant of Uncertain Significance. Advanced modeling of protein sequence and biophysical properties (such as structural, functional, and spatial information, amino acid conservation, physicochemical variation, residue mobility, and thermodynamic stability) performed at Invitae indicates that this missense variant is not expected to disrupt APC protein function. ClinVar contains an entry for this variant (Variation ID: 1761528). This variant has not been reported in the literature in individuals affected with APC-related conditions. This variant is not present in population databases (gnomAD no frequency). This sequence change replaces isoleucine, which is neutral and non-polar, with asparagine, which is neutral and polar, at codon 2666 of the APC protein (p.Ile2666Asn).

All of Us Research Program, National Institutes of Health
Classification: Uncertain significance for Classic or attenuated familial adenomatous polyposis. Last evaluated: 2023-08-15. Review status: criteria provided, single submitter. Criteria: ACMG Guidelines, 2015. Collection method: clinical testing. Allele origin: germline. Inheritance: Autosomal dominant inheritance. Observed: 1 variant allele, 1 heterozygote.
Comment: This study involves interpretation of variants in research participants for the purpose of population health screening. Participant phenotype was not available at the time of variant classification. Additional details can be found in publication PMID: 35346344, PMCID: PMC8962531

Ambry Genetics
Classification: Uncertain significance for Hereditary cancer-predisposing syndrome. Last evaluated: 2020-03-04. Review status: criteria provided, single submitter. Criteria: Ambry Variant Classification Scheme 2023. Collection method: clinical testing. Allele origin: germline.
Comment: The p.I2666N variant (also known as c.7997T>A), located in coding exon 15 of the APC gene, results from a T to A substitution at nucleotide position 7997. The isoleucine at codon 2666 is replaced by asparagine, an amino acid with dissimilar properties. This amino acid position is well conserved in available vertebrate species. In addition, in silico predictors for this gene do not accurately predict pathogenicity. Since supporting evidence is limited at this time, the clinical significance of this alteration remains unclear.

NM_000038.6(APC):c.7997T>A (p.Ile2666Asn)

Gene: APC (APC regulator of Wnt signaling pathway; plus strand). Cytogenetic location: 5q22.2.
Variant type: single nucleotide variant.
Coding change: c.7997T>A on transcript NM_000038.6 (MANE Select); coding-DNA position 7997, T replaced by A.
Protein change: p.Ile2666Asn; replaces isoleucine 2666 with asparagine.
Molecular consequence: missense variant.
Genome position (GRCh38, 1-based): chr5:112,843,591, T>A. VCF-style: chr5-112843591-T-A. GRCh37 (hg19) VCF-style: chr5-112179288-T-A.
Other names: c.7997T>A, p.Ile2666Asn (NM_001127510.3, NM_001354895.2, NM_001407450.1); c.7943T>A, p.Ile2648Asn (NM_001127511.3); c.8051T>A, p.Ile2684Asn (NM_001354896.2, NM_001407447.1, NM_001407448.1 and 1 more transcripts); c.8027T>A, p.Ile2676Asn (NM_001354897.2); c.7922T>A, p.Ile2641Asn (NM_001354898.2); c.7913T>A, p.Ile2638Asn (NM_001354899.2); c.7874T>A, p.Ile2625Asn (NM_001354900.2); c.7820T>A, p.Ile2607Asn (NM_001354901.2, NM_001407453.1); and 11 more; short protein forms I2282N, I2383N, I2575N, I2625N, I2656N, I2676N, I2694N, I2537N.
Identifiers: ClinVar variation 1761528 (VCV001761528.6), dbSNP rs2149997642, ClinGen allele CA16038702.